The following is an entry in ClinVar:

ClinVar aggregate classification (germline): Pathogenic. Review status: criteria provided, multiple submitters, no conflicts (2 of 4 stars). 10 submissions from 10 submitters: Pathogenic (8). 2 of the submissions do not count toward it. Last evaluated 2026-05-13.

Conditions:
Congenital hyperammonemia, type I. Also called: Carbamoyl-phosphate synthase I deficiency; Carbamoyl phosphate synthetase I deficiency disease; CPS I DEFICIENCY; Carbamoyl phosphate synthetase 1 deficiency; Hyperammonemia due to carbamoyl phosphate synthetase 1 deficiency; CPS 1 deficiency. Identifiers: Orphanet 147, MedGen C4082171, MONDO:0009376, OMIM 237300.
Pulmonary hypertension, neonatal, susceptibility to (PHN). Identifiers: MedGen C3714958, MONDO:0014151, OMIM 615371.
CPS1-related disorder. Also called: CPS1-related condition.
Inborn genetic diseases. Identifiers: MedGen C0950123, MeSH D030342.

Allele frequency attached by ClinVar (database versions not stated): ExAC 0.00002; gnomAD exomes 0.00002; TOPMed 0.00007; gnomAD 0.00005; ESP Exome Variant Server 0.00015.
gnomAD v4.1: 37 of 1,612,500 alleles (0.0023%); highest among the groups gnomAD compares: Non-Finnish European, 0.0031%; no homozygotes.

Submissions (10):

Victorian Clinical Genetics Services, Murdoch Childrens Research Institute
Classification: Pathogenic for Congenital hyperammonemia, type I. Last evaluated: 2026-05-13. Review status: criteria provided, single submitter. Criteria: ACMG Guidelines, 2015. Collection method: clinical testing. Allele origin: germline.
Comment: This variant is classified as Pathogenic. Evidence in support of pathogenic classification: Variant is present in gnomAD (v4) <0.01 for a recessive condition (37 heterozygotes, 0 homozygotes); This variant has strong previous evidence of pathogenicity in unrelated individuals. This variant has been classified as pathogenic five times and likely pathogenic once (ClinVar). It has also been reported in six unrelated individuals with carbamoylphosphate synthetase I deficiency (PMIDs: 9686343, 16737834). - Missense variant consistently predicted to be damaging by multiple in silico tools or highly conserved with a major amino acid change. Additional information: Variant is predicted to result in a missense amino acid change from Asn to Lys; This variant is heterozygous; This gene is associated with autosomal recessive disease; No comparable missense variants have previous evidence for pathogenicity; Variant is located in the annotated carbamoyl-phosphate synthase L chain, ATP binding domain (DECIPHER); Loss of function is a known mechanism of disease in this gene and is associated with carbamoylphosphate synthetase I deficiency (MIM#237300).

Labcorp Genetics (formerly Invitae), Labcorp
Classification: Pathogenic for Congenital hyperammonemia, type I. Last evaluated: 2025-12-26. Review status: criteria provided, single submitter. Criteria: Invitae Variant Classification Sherloc (09022015). Collection method: clinical testing. Allele origin: germline.
Comment: This sequence change replaces asparagine, which is neutral and polar, with lysine, which is basic and polar, at codon 716 of the CPS1 protein (p.Asn716Lys). This variant is present in population databases (rs369061090, gnomAD 0.005%). This missense change has been observed in individual(s) with CPS1 deficiency (PMID: 9686343, 16737834). This variant is also known as 2271T>A. ClinVar contains an entry for this variant (Variation ID: 280052). Invitae Evidence Modeling of protein sequence and biophysical properties (such as structural, functional, and spatial information, amino acid conservation, physicochemical variation, residue mobility, and thermodynamic stability) indicates that this missense variant is expected to disrupt CPS1 protein function with a positive predictive value of 80%. Experimental studies have shown that this missense change affects CPS1 function (PMID: 15876373). For these reasons, this variant has been classified as Pathogenic.

Natera, Inc.
Classification: Pathogenic for Carbamoyl-phosphate synthase I deficiency. Last evaluated: 2025-07-18. Review status: criteria provided, single submitter. Criteria: Natera Variant Classification Schema (03/2026). Collection method: clinical testing. Allele origin: germline.
Comment: The c.2148T>A variant in CPS1 is a missense variant predicted to cause substitution of asparagine to lysine at amino acid 716. This variant is rare in the general population with a frequency below the threshold expected for the associated phenotype(s). This variant has been observed in one or more individuals affected with the associated recessive disease, as either homozygous or compound heterozygous with a second variant (PMID: 16737834, 9686343). Given the available evidence, this variant is classified as Pathogenic.

Ambry Genetics
Classification: Pathogenic for Inborn genetic diseases. Last evaluated: 2024-05-10. Review status: criteria provided, single submitter. Criteria: Ambry Variant Classification Scheme 2023. Collection method: clinical testing. Allele origin: germline.
Comment: The c.2148T>A (p.N716K) alteration is located in exon 18 (coding exon 18) of the CPS1 gene. This alteration results from a T to A substitution at nucleotide position 2148, causing the asparagine (N) at amino acid position 716 to be replaced by a lysine (K). Based on data from gnomAD, the A allele has an overall frequency of 0.002% (4/250448) total alleles studied. The highest observed frequency was 0.004% (4/113044) of European (non-Finnish) alleles. This variant has been identified in the homozygous state and in conjunction with other CPS1 variants in individuals with features consistent with carbamoylphosphate synthetase I deficiency (Summar, 1998; Eeds, 2006). This amino acid position is highly conserved in available vertebrate species. In an in vitro assay performed in E.coli cells, this variant was determined to affect CPS1 activity (Yefimenko, 2005). This alteration is predicted to be deleterious by in silico analysis. Based on the available evidence, this alteration is classified as pathogenic.

Fulgent Genetics
Classification: Pathogenic for Congenital hyperammonemia, type I; Pulmonary hypertension, neonatal, susceptibility to. Last evaluated: 2024-05-10. Review status: criteria provided, single submitter. Criteria: ACMG Guidelines, 2015. Collection method: clinical testing. Allele origin: germline.

Baylor Genetics
Classification: Pathogenic for Pulmonary hypertension, neonatal, susceptibility to. Last evaluated: 2024-03-25. Review status: criteria provided, single submitter. Criteria: ACMG Guidelines, 2015. Collection method: clinical testing. Allele origin: unknown.

Women's Health and Genetics/Laboratory Corporation of America, LabCorp
Classification: Pathogenic for Carbamoyl-phosphate synthetase 1 deficiency. Last evaluated: 2020-02-24. Review status: criteria provided, single submitter. Criteria: LabCorp Variant Classification Summary - May 2015. Collection method: clinical testing. Allele origin: germline.
Comment: Variant summary: CPS1 c.2148T>A (p.Asn716Lys) results in a non-conservative amino acid change located in the Carbamoyl-phosphate synthetase large subunit-like, ATP-binding domain (IPR005479) and ATP-grasp fold domain (IPR011761) of the encoded protein sequence. Five of five in-silico tools predict a damaging effect of the variant on protein function. The variant allele was found at a frequency of 1.6e-05 in 250448 control chromosomes (gnomAD). c.2148T>A has been reported in the literature in individuals affected with Carbamoylphosphate Synthetase I Deficiency (e.g. Eeds_2006, Summar_1998, Summar_2004). These data indicate that the variant is likely to be associated with disease. Experimental evidence evaluating an impact on protein function demonstrated the variant interferes with the phosphorylation of bicarbonate and significantly decreases CPS activity (Yefimenko_2005). Two ClinVar submitters (evaluation after 2014) cite the variant as pathogenic (n=1) and as uncertain significance (n=1). Based on the evidence outlined above, the variant was classified as pathogenic.

GeneDx
Classification: Pathogenic. Last evaluated: 2016-09-29. Review status: criteria provided, single submitter. Criteria: GeneDx Variant Classification (06012015). Collection method: clinical testing. Allele origin: germline. Affected: yes.
Comment: The N716K missense variant in the CPS1 gene has been reported multiple times in patients with carbamoylphosphate synthetase I (CPS1) deficiency who were homozygous for N716K or who also harbored a second pathogenic variant in the CPS1 gene (Summar et al. 1998; Eeds et al. 2006). The N716K variant was not observed with any significant frequency in approximately 6500 individuals of European and African American ancestry in the NHLBI Exome Sequencing Project. N716K is a semi-conservative amino acid substitution, it substitution occurs at a position that is conserved across species, and in silico analysis predicts this variant is probably damaging to the protein structure/function. In summary, we interpret this variant as pathogenic.

PreventionGenetics, part of Exact Sciences
Classification: Likely pathogenic for CPS1-related condition. Last evaluated: 2024-06-25. Review status: no assertion criteria provided. Collection method: clinical testing. Allele origin: germline. Not counted in ClinVar's aggregate classification.
Comment: The CPS1 c.2148T>A variant is predicted to result in the amino acid substitution p.Asn716Lys. This variant has been reported in individuals with carbamoyl phosphate synthetase I deficiency (Summar et al. 1998. PubMed ID: 9686343; Summar et al. 2004. PubMed ID: 15050969; Supplementary Table S1, Häberle et al. 2011. PubMed ID: 21120950). This variant was also introduced into E. coli and was found to impact CPS activity (reported as N301K E. coli CPS variant, Yefimenko et al. 2005. PubMed ID: 15876373). This variant is reported in 0.0035% of alleles in individuals of European (Non-Finnish) descent in gnomAD. Taken together, this variant is interpreted as likely pathogenic.

Counsyl
Classification: Uncertain significance for Congenital hyperammonemia, type I. Last evaluated: 2017-06-14. Review status: no assertion criteria provided. Collection method: clinical testing. Allele origin: unknown. Not counted in ClinVar's aggregate classification.

Literature cited by the submitters: PubMed 16737834 (cited by 5 submitters); PubMed 9686343 (cited by 6 submitters); PubMed 15876373 (cited by 4 submitters); PubMed 21120950 (cited by Women's Health and Genetics/Laboratory Corporation of America, LabCorp); PubMed 15050969 (cited by Women's Health and Genetics/Laboratory Corporation of America, LabCorp and Counsyl).

NM_001875.5(CPS1):c.2148T>A (p.Asn716Lys)

Gene: CPS1 (carbamoyl-phosphate synthase 1; plus strand). Cytogenetic location: 2q34.
Variant type: single nucleotide variant.
Coding change: c.2148T>A on transcript NM_001875.5 (MANE Select); coding-DNA position 2148, T replaced by A.
Protein change: p.Asn716Lys; replaces asparagine 716 with lysine.
Molecular consequence: missense variant. On other transcripts: non-coding transcript variant (2).
Genome position (GRCh38, 1-based): chr2:210,606,897, T>A. VCF-style: chr2-210606897-T-A. GRCh37 (hg19) VCF-style: chr2-211471621-T-A.
Other names: c.2148T>A (LRG_336t1); c.2148T>A, p.Asn716Lys (NM_001122633.3, NM_001369257.1); c.2181T>A, p.Asn727Lys (NM_001369256.1); short protein forms N716K, N727K.
Identifiers: ClinVar variation 280052 (VCV000280052.24), dbSNP rs369061090, ClinGen allele CA2086555.